The following is an entry in ClinVar:

NM_000057.4(BLM):c.1076C>T (p.Thr359Ile)

Gene: BLM (BLM RecQ like helicase; plus strand). Cytogenetic location: 15q26.1.
Variant type: single nucleotide variant.
Coding change: c.1076C>T on transcript NM_000057.4 (MANE Select); coding-DNA position 1076, C replaced by T.
Protein change: p.Thr359Ile; replaces threonine 359 with isoleucine.
Molecular consequence: missense variant. On other transcripts: 5 prime UTR variant (1).
Genome position (GRCh38, 1-based): chr15:90,754,927, C>T. VCF-style: chr15-90754927-C-T. GRCh37 (hg19) VCF-style: chr15-91298157-C-T.
Other names: c.1076C>T, p.Thr359Ile (NM_001287246.2, NM_001287247.2); c.-216C>T (NM_001287248.2); short protein forms T359I.
Identifiers: ClinVar variation 2452575 (VCV002452575.4), dbSNP rs2505407504, ClinGen allele CA393842242.

ClinVar aggregate classification (germline): Uncertain significance. Review status: criteria provided, multiple submitters, no conflicts (2 of 4 stars). 2 submissions from 2 submitters: Uncertain significance (2). Last evaluated 2025-01-17.

Conditions:
Bloom syndrome (BLM). Also called: Bloom-Torre-Machacek syndrome. Identifiers: Orphanet 125, MedGen C0005859, MONDO:0008876, OMIM 210900.
Hereditary cancer-predisposing syndrome. Also called: Neoplastic Syndromes, Hereditary; Tumor predisposition; Hereditary neoplastic syndrome; Hereditary Cancer Syndrome. Identifiers: Orphanet 140162, MedGen C0027672, MeSH D009386, MONDO:0015356.

Submissions (2):

Labcorp Genetics (formerly Invitae), Labcorp
Classification: Uncertain significance for Bloom syndrome. Last evaluated: 2025-01-17. Review status: criteria provided, single submitter. Criteria: Invitae Variant Classification Sherloc (09022015). Collection method: clinical testing. Allele origin: germline.
Comment: This sequence change replaces threonine, which is neutral and polar, with isoleucine, which is neutral and non-polar, at codon 359 of the BLM protein (p.Thr359Ile). This variant is not present in population databases (gnomAD no frequency). This variant has not been reported in the literature in individuals affected with BLM-related conditions. ClinVar contains an entry for this variant (Variation ID: 2452575). An algorithm developed to predict the effect of missense changes on protein structure and function (PolyPhen-2) suggests that this variant is likely to be tolerated. In summary, the available evidence is currently insufficient to determine the role of this variant in disease. Therefore, it has been classified as a Variant of Uncertain Significance.

Ambry Genetics
Classification: Uncertain significance for Hereditary cancer-predisposing syndrome. Last evaluated: 2023-03-03. Review status: criteria provided, single submitter. Criteria: Ambry Variant Classification Scheme 2023. Collection method: clinical testing. Allele origin: germline.
Comment: The p.T359I variant (also known as c.1076C>T), located in coding exon 4 of the BLM gene, results from a C to T substitution at nucleotide position 1076. The threonine at codon 359 is replaced by isoleucine, an amino acid with similar properties. This amino acid position is conserved. In addition, this alteration is predicted to be tolerated by in silico analysis. Since supporting evidence is limited at this time, the clinical significance of this alteration remains unclear.